The following is an entry in ClinVar:

ClinVar aggregate classification (germline): Pathogenic (1 of 4 stars; one submission).

Submission:

Labcorp Genetics (formerly Invitae), Labcorp
Classification: Pathogenic. Last evaluated: 2025-08-18. Review status: criteria provided, single submitter. Criteria: Invitae Variant Classification Sherloc (09022015). Collection method: clinical testing. Allele origin: germline.
Comment: This sequence change creates a premature translational stop signal (p.Cys601Alafs*12) in the EYS gene. It is expected to result in an absent or disrupted protein product. Loss-of-function variants in EYS are known to be pathogenic (PMID: 18836446, 20333770). This variant is not present in population databases (gnomAD no frequency). This variant has not been reported in the literature in individuals affected with EYS-related conditions. ClinVar contains an entry for this variant (Variation ID: 1986977). For these reasons, this variant has been classified as Pathogenic.

Literature cited by the submitters: PubMed 18836446; PubMed 20333770.

NM_001142800.2(EYS):c.1793_1800dup (p.Cys601fs)

Gene: EYS (EGF-like photoreceptor maintenance factor; minus strand). Cytogenetic location: 6q12.
Variant type: Duplication.
Coding change: c.1793_1800dup on transcript NM_001142800.2 (MANE Select); coding-DNA positions 1793 to 1800, 8 bases duplicated (GCAGATTG; older notation c.1793_1800dupGCAGATTG).
Protein change: p.Cys601fs; shifts the reading frame from cysteine 601.
Molecular consequence: frameshift variant.
Genome position (GRCh38, 1-based): chr6:65,296,086-65,296,093, CAATCTGC duplicated on the plus strand (GCAGATTG on the coding strand, the reverse complement: EYS is on the minus strand); duplicating any 8 consecutive bases within chr6:65,296,086-65,296,097 gives the same sequence; the c. name uses the placement nearest the transcript's 3' end. VCF-style (leftmost placement, unchanged base first): chr6-65296085-A-ACAATCTGC. GRCh37 (hg19) VCF-style: chr6-66005978-A-ACAATCTGC.
Other names: c.1793_1800dup, p.Cys601fs (NM_001292009.2); short protein forms C601fs.
Identifiers: ClinVar variation 1986977 (VCV001986977.4), dbSNP rs2533013373, ClinGen allele CA2580075677.